The following is an entry in ClinVar:

ClinVar aggregate classification (germline): Likely pathogenic (1 of 4 stars; one submission).

Conditions:
COL2A1-related disorder. Also called: COL2A1-related condition; COL2A1-related disorders.

Submission:

PreventionGenetics, part of Exact Sciences
Classification: Likely pathogenic for COL2A1-related condition. Last evaluated: 2024-10-24. Review status: criteria provided, single submitter. Criteria: ACMG Guidelines, 2015. Collection method: clinical testing. Allele origin: germline.
Comment: The COL2A1 c.1026_1034del9 variant is predicted to result in an in-frame deletion (p.Ala343_Gly345del). To our knowledge, this variant has not been reported in the literature or in the large population database gnomAD, indicating this variant is rare. This variant affects a Gly residue of the conserved triple helical region from amino acids 201-1214. Glycine substitutions in the triple helical region of COL2A1are expected to be pathogenic (Barat-Houari et al. 2016. PubMed ID: 26626311). However, this variant is not a substitution, but rather an in-frame deletion of three amino acids, which may preserve the triple helical nature of this region. This variant was observed in two individuals from the same family who were each being tested for early-onset high myopia (PreventionGenetics internal data). Given the evidence, we interpret this variant as likely pathogenic.

NM_001844.5(COL2A1):c.1026_1034del (p.Ala343_Gly345del)

Gene: COL2A1 (collagen type II alpha 1 chain; minus strand). Cytogenetic location: 12q13.11.
Variant type: Deletion.
Coding change: c.1026_1034del on transcript NM_001844.5 (MANE Select); coding-DNA positions 1026 to 1034, 9 bases deleted (TGCCCGAGG; older notation c.1026_1034delTGCCCGAGG).
Protein change: p.Ala343_Gly345del.
Molecular consequence: inframe deletion.
Genome position (GRCh38, 1-based): chr12:47,989,795-47,989,803, CCTCGGGCA deleted on the plus strand (TGCCCGAGG on the coding strand, the reverse complement: COL2A1 is on the minus strand); deleting any 9 consecutive bases within chr12:47,989,795-47,989,805 gives the same sequence; the c. name uses the placement nearest the transcript's 3' end. VCF-style (leftmost placement, unchanged base first): chr12-47989794-GCCTCGGGCA-G. GRCh37 (hg19) VCF-style: chr12-48383577-GCCTCGGGCA-G.
Other names: c.819_827del, p.Ala274_Gly276del (NM_033150.3).
Identifiers: ClinVar variation 3347538 (VCV003347538.2).
Genomic context (GRCh38, chr12:47,989,794, plus strand): 5'-GACCTGCTGAGGATGAAATGAACTTACCGGAGGCCCTGCGGGGCCTGGCTGACCATCGTT[GCCTCGGGCA>G]CCCTGTGAGCAAGAAGGAAGTGACCATGAGAGGTGCCCACAGGCCCTGTCCGTCCCTGCT-3'